The following is an entry in ClinVar:

NM_001377.3(DYNC2H1):c.12831G>T (p.Arg4277Ser)

Gene: DYNC2H1 (dynein cytoplasmic 2 heavy chain 1; plus strand). Cytogenetic location: 11q22.3.
Variant type: single nucleotide variant.
Coding change: c.12831G>T on transcript NM_001377.3 (MANE Select); coding-DNA position 12831, G replaced by T.
Protein change: p.Arg4277Ser; replaces arginine 4277 with serine.
Molecular consequence: missense variant.
Genome position (GRCh38, 1-based): chr11:103,479,160, G>T. VCF-style: chr11-103479160-G-T. GRCh37 (hg19) VCF-style: chr11-103349888-G-T.
Other names: c.12852G>T, p.Arg4284Ser (NM_001080463.2); short protein forms R4277S, R4284S.
Identifiers: ClinVar variation 692242 (VCV000692242.3), dbSNP rs372878677, ClinGen allele CA227471858.

ClinVar aggregate classification (germline): Likely pathogenic. Review status: criteria provided, multiple submitters, no conflicts (2 of 4 stars). 2 submissions from 2 submitters: Likely pathogenic (2). Last evaluated 2024-02-11.

Conditions:
Jeune thoracic dystrophy. Also called: Jeune syndrome; Infantile thoracic dystrophy; Thoracic pelvic phalangeal dystrophy; Jeune's syndrome; Chondroectodermal dysplasia-like syndrome; Short-rib thoracic dysplasia. Identifiers: Orphanet 474, MedGen C0265275, MONDO:0018770.
Asphyxiating thoracic dystrophy 3. Also called: SHORT-RIB THORACIC DYSPLASIA 3/6 WITH POLYDACTYLY, DIGENIC; Short rib polydactyly syndrome 2B; Saldino-Noonan Syndrome; POLYDACTYLY WITH NEONATAL CHONDRODYSTROPHY, TYPE I; SHORT-RIB THORACIC DYSPLASIA 3 WITH OR WITHOUT POLYDACTYLY. Identifiers: Orphanet 474, Orphanet 93269, Orphanet 93270, Orphanet 93271, MedGen C0036069, MONDO:0013127, OMIM 613091.

Allele frequency attached by ClinVar (database versions not stated): ESP Exome Variant Server 0.00008.
gnomAD v4.1: 3 of 1,613,740 alleles (0.00019%); highest among the groups gnomAD compares: Non-Finnish European, 0.00017%; no homozygotes.

Submissions (2):

Labcorp Genetics (formerly Invitae), Labcorp
Classification: Likely pathogenic for Jeune thoracic dystrophy. Last evaluated: 2024-02-11. Review status: criteria provided, single submitter. Criteria: Invitae Variant Classification Sherloc (09022015). Collection method: clinical testing. Allele origin: germline.
Comment: This sequence change replaces arginine, which is basic and polar, with serine, which is neutral and polar, at codon 4284 of the DYNC2H1 protein (p.Arg4284Ser). This variant is present in population databases (rs372878677, gnomAD 0.0009%). This variant has not been reported in the literature in individuals affected with DYNC2H1-related conditions. ClinVar contains an entry for this variant (Variation ID: 692242). Advanced modeling of protein sequence and biophysical properties (such as structural, functional, and spatial information, amino acid conservation, physicochemical variation, residue mobility, and thermodynamic stability) performed at Invitae indicates that this missense variant is expected to disrupt DYNC2H1 protein function with a positive predictive value of 95%. This variant disrupts the p.Arg4284 amino acid residue in DYNC2H1. Other variant(s) that disrupt this residue have been determined to be pathogenic (PMID: 29068549). This suggests that this residue is clinically significant, and that variants that disrupt this residue are likely to be disease-causing. In summary, the currently available evidence indicates that the variant is pathogenic, but additional data are needed to prove that conclusively. Therefore, this variant has been classified as Likely Pathogenic.

MVZ Martinsried, Medicover Genetics
Classification: Likely pathogenic for Asphyxiating thoracic dystrophy 3. Last evaluated: 2019-04-08. Review status: criteria provided, single submitter. Criteria: ACMG Guidelines, 2015. Collection method: clinical testing. Allele origin: unknown. Affected: yes.

Literature cited by the submitters: PubMed 29068549 (cited by Labcorp Genetics (formerly Invitae), Labcorp).